The following is an entry in ClinVar:

NM_006030.4(CACNA2D2):c.2476G>C (p.Gly826Arg)

Genes: CACNA2D2 (calcium voltage-gated channel auxiliary subunit alpha2delta 2; minus strand), LOC101928965 (uncharacterized LOC101928965; plus strand), LOC127898564 (CYB561D2-LOC101928965; plus strand). Cytogenetic location: 3p21.31.
Variant type: single nucleotide variant.
Coding change: c.2476G>C on transcript NM_006030.4 (MANE Select); coding-DNA position 2476, G replaced by C.
Protein change: p.Gly826Arg; replaces glycine 826 with arginine.
Molecular consequence: missense variant.
Genome position (GRCh38, 1-based): chr3:50,367,035, C>G on the plus strand (G>C on the coding strand, the complement: CACNA2D2 is on the minus strand). VCF-style: chr3-50367035-C-G. GRCh37 (hg19) VCF-style: chr3-50404466-C-G.
Other names: c.2476G>C, p.Gly826Arg (NM_001005505.3); c.2497G>C, p.Gly833Arg (NM_001174051.3); c.2269G>C, p.Gly757Arg (NM_001291101.1); c.2497G>C (NM_001174051.1); short protein forms G757R, G826R, G833R.
Identifiers: ClinVar variation 966204 (VCV000966204.6), dbSNP rs1210463730, ClinGen allele CA352911696.

ClinVar aggregate classification (germline): Uncertain significance. Review status: criteria provided, multiple submitters, no conflicts (2 of 4 stars). 2 submissions from 2 submitters: Uncertain significance (2). Last evaluated 2025-05-19.

Conditions:
Developmental and epileptic encephalopathy. Identifiers: MedGen C5779964, MONDO:0100620.
Inborn genetic diseases. Identifiers: MedGen C0950123, MeSH D030342.

Allele frequency attached by ClinVar (database versions not stated): gnomAD 0.00001; TOPMed below 0.00001.
gnomAD v4.1: 36 of 1,613,722 alleles (0.0022%); highest among the groups gnomAD compares: Non-Finnish European, 0.0031%; no homozygotes.

Submissions (2):

Ambry Genetics
Classification: Uncertain significance for Inborn genetic diseases. Last evaluated: 2025-05-19. Review status: criteria provided, single submitter. Criteria: Ambry Variant Classification Scheme 2023. Collection method: clinical testing. Allele origin: germline.

Labcorp Genetics (formerly Invitae), Labcorp
Classification: Uncertain significance for Early-infantile DEE. Last evaluated: 2021-08-24. Review status: criteria provided, single submitter. Criteria: Invitae Variant Classification Sherloc (09022015). Collection method: clinical testing. Allele origin: germline.
Comment: This sequence change replaces glycine with arginine at codon 826 of the CACNA2D2 protein (p.Gly826Arg). The glycine residue is highly conserved and there is a moderate physicochemical difference between glycine and arginine. This variant is not present in population databases (ExAC no frequency). This variant has not been reported in the literature in individuals affected with CACNA2D2-related conditions. Algorithms developed to predict the effect of missense changes on protein structure and function are either unavailable or do not agree on the potential impact of this missense change (SIFT: "Deleterious"; PolyPhen-2: "Possibly Damaging"; Align-GVGD: "Class C0"). In summary, the available evidence is currently insufficient to determine the role of this variant in disease. Therefore, it has been classified as a Variant of Uncertain Significance.